The following is an entry in ClinVar:

ClinVar aggregate classification (germline): Uncertain significance (1 of 4 stars; one submission).

Submission:

Labcorp Genetics (formerly Invitae), Labcorp
Classification: Uncertain significance. Last evaluated: 2023-11-18. Review status: criteria provided, single submitter. Criteria: Invitae Variant Classification Sherloc (09022015). Collection method: clinical testing. Allele origin: germline.
Comment: This sequence change replaces asparagine, which is neutral and polar, with serine, which is neutral and polar, at codon 268 of the SRP72 protein (p.Asn268Ser). This variant is not present in population databases (gnomAD no frequency). This variant has not been reported in the literature in individuals affected with SRP72-related conditions. ClinVar contains an entry for this variant (Variation ID: 1370435). Advanced modeling of protein sequence and biophysical properties (such as structural, functional, and spatial information, amino acid conservation, physicochemical variation, residue mobility, and thermodynamic stability) performed at Invitae indicates that this missense variant is expected to disrupt SRP72 protein function with a positive predictive value of 80%. In summary, the available evidence is currently insufficient to determine the role of this variant in disease. Therefore, it has been classified as a Variant of Uncertain Significance.

NM_006947.4(SRP72):c.803A>G (p.Asn268Ser)

Gene: SRP72 (signal recognition particle 72; plus strand). Cytogenetic location: 4q12.
Variant type: single nucleotide variant.
Coding change: c.803A>G on transcript NM_006947.4 (MANE Select); coding-DNA position 803, A replaced by G.
Protein change: p.Asn268Ser; replaces asparagine 268 with serine.
Molecular consequence: missense variant. On other transcripts: non-coding transcript variant (1), intron variant (1).
Genome position (GRCh38, 1-based): chr4:56,478,627, A>G. VCF-style: chr4-56478627-A-G. GRCh37 (hg19) VCF-style: chr4-57344793-A-G.
Other names: c.642+1925A>G (NM_001267722.2); short protein forms N268S.
Identifiers: ClinVar variation 1370435 (VCV001370435.6), dbSNP rs2110117541, ClinGen allele CA356998107.
Genomic context (GRCh38, chr4:56,478,627, plus strand): 5'-TTTGACTGTTGCTTGTTGTTCACAGACCAACAGATGTGGGATTACTAGCTGTAATTGCAA[A>G]TAACATCATTACCATTAACAAGGTATGGAGTATTTGTGCTTTCCATAGATATATTTTACC-3'
Protein context (NP_008878.3, residues 258-278): TDVGLLAVIA[Asn268Ser]NIITINKDQN